The following is an entry in ClinVar:

NM_001379500.1(COL18A1):c.12-2A>T

Genes: BNAT1 (breast cancer associated ESR1 regulating natural antisense transcript 1; minus strand), COL18A1 (collagen type XVIII alpha 1 chain; plus strand). Cytogenetic location: 21q22.3.
Variant type: single nucleotide variant.
Coding change: c.12-2A>T on transcript NM_001379500.1 (MANE Select); the canonical splice acceptor site of the intron before coding-DNA position 12, A replaced by T.
Molecular consequence: splice acceptor variant. On other transcripts: non-coding transcript variant (1).
Genome position (GRCh38, 1-based): chr21:45,405,377, A>T. VCF-style: chr21-45405377-A-T. GRCh37 (hg19) VCF-style: chr21-46825292-A-T.
Other names: IVS1, A-T, -2.
Identifiers: ClinVar variation 17115 (VCV000017115.12), dbSNP rs1467976097, ClinGen allele CA410620250.
Genomic context (GRCh38, chr21:45,405,377, plus strand): 5'-GGCCGGGTCCTGCGGGGGTCGCGGGGGTCCTGCGGGGTCTGACCCGTGCCTGTCCCGCGC[A>T]GGTGCCCCTGGCCATGGCCGCGGCGGCGGCGCCTCCTGGACGTGCTCGCGCCCCTGGTCC-3'

ClinVar aggregate classification (germline): Pathogenic. Review status: criteria provided, multiple submitters, no conflicts (2 of 4 stars). 5 submissions from 5 submitters: Pathogenic (4). 1 of the submissions does not count toward it. Last evaluated 2024-11-20.

Conditions:
COL18A1-related disorder. Also called: COL18A1-related disorders; COL18A1-related condition.
Knobloch syndrome (KNO). Also called: Myopia retinal detachment encephalocele; RETINAL DETACHMENT AND OCCIPITAL ENCEPHALOCELE. Identifiers: Orphanet 1571, MedGen C1849409, MONDO:0800166.

Allele frequency attached by ClinVar (database versions not stated): gnomAD 0.00003 and 0.00002; gnomAD exomes below 0.00001; TOPMed below 0.00001.
gnomAD v4.1: 4 of 1,158,858 alleles (0.00035%); highest among the groups gnomAD compares: Admixed American, 0.0055%; no homozygotes.

Submissions (5):

Blueprint Genetics
Classification: Pathogenic for COL18A1-related disorders. Last evaluated: 2024-11-20. Review status: criteria provided, single submitter. Criteria: ACMG Guidelines, 2015. Collection method: clinical testing. Allele origin: germline. Affected: yes. Observed: 2 variant alleles.

Dasa
Classification: Pathogenic. Last evaluated: 2024-09-03. Review status: criteria provided, single submitter. Criteria: DASA Assertion Criteria. Collection method: clinical testing. Allele origin: germline.
Comment: NM_001379500.1(COL18A1):c.12-2A>T affects a canonical splice site and is predicted to disrupt normal RNA splicing, leading to loss of normal protein function. Loss-of-function is an established mechanism of disease for this gene. This variant has been reported in individuals with related phenotype. This variant has been observed in affected individuals with related phenotype in a genotype context consistent with recessive disease. The variant is present at low frequency in population datasets. Based on the available data, this variant is classified as pathogenic.

Labcorp Genetics (formerly Invitae), Labcorp
Classification: Pathogenic. Last evaluated: 2023-05-11. Review status: criteria provided, single submitter. Criteria: Invitae Variant Classification Sherloc (09022015). Collection method: clinical testing. Allele origin: germline.
Comment: ClinVar contains an entry for this variant (Variation ID: 17115). For these reasons, this variant has been classified as Pathogenic. Algorithms developed to predict the effect of sequence changes on RNA splicing suggest that this variant may disrupt the consensus splice site. This variant is also known as IVS1-2A>T. Disruption of this splice site has been observed in individual(s) with clinical features of Knobloch syndrome (PMID: 10942434; Invitae). In at least one individual the data is consistent with being in trans (on the opposite chromosome) from a pathogenic variant. It has also been observed to segregate with disease in related individuals. This variant is present in population databases (no rsID available, gnomAD 0.2%). This sequence change affects an acceptor splice site in intron 1 of the COL18A1 gene. It is expected to disrupt RNA splicing. Variants that disrupt the donor or acceptor splice site typically lead to a loss of protein function (PMID: 16199547), and loss-of-function variants in COL18A1 are known to be pathogenic (PMID: 12415512, 25456301).

Laboratorio de Genetica e Diagnostico Molecular, Hospital Israelita Albert Einstein
Classification: Pathogenic for Knobloch syndrome 1. Last evaluated: 2021-11-16. Review status: criteria provided, single submitter. Criteria: ACMG Guidelines, 2015. Collection method: clinical testing. Allele origin: germline. Affected: yes.
Comment: ACMG classification criteria: PVS1 very strong, PS4 supporting, PM2 moderate, PM3 supporting, PP1 very strong

OMIM
Classification: Pathogenic for KNOBLOCH SYNDROME 1. Last evaluated: 2000-08-12. Review status: no assertion criteria provided. Collection method: literature only. Allele origin: germline. Not counted in ClinVar's aggregate classification.

Literature cited by the submitters: PubMed 10942434 (cited by Labcorp Genetics (formerly Invitae), Labcorp and OMIM); PubMed 16199547 (cited by Labcorp Genetics (formerly Invitae), Labcorp); PubMed 12415512 (cited by Labcorp Genetics (formerly Invitae), Labcorp); PubMed 25456301 (cited by Labcorp Genetics (formerly Invitae), Labcorp).